The following is an entry in ClinVar:

NM_017780.4(CHD7):c.7052C>T (p.Pro2351Leu)

Gene: CHD7 (chromodomain helicase DNA binding protein 7; plus strand). Cytogenetic location: 8q12.2.
Variant type: single nucleotide variant.
Coding change: c.7052C>T on transcript NM_017780.4 (MANE Select); coding-DNA position 7052, C replaced by T.
Protein change: p.Pro2351Leu; replaces proline 2351 with leucine.
Molecular consequence: missense variant. On other transcripts: intron variant (1).
Genome position (GRCh38, 1-based): chr8:60,856,090, C>T. VCF-style: chr8-60856090-C-T. GRCh37 (hg19) VCF-style: chr8-61768649-C-T.
Other names: c.7052C>T (NM_017780.3); c.1717-6139C>T (NM_001316690.1); short protein forms P2351L.
Identifiers: ClinVar variation 1161895 (VCV001161895.10), dbSNP rs373370399, ClinGen allele CA4760729.

ClinVar aggregate classification (germline): Conflicting classifications of pathogenicity. Review status: criteria provided, conflicting classifications (1 of 4 stars). 2 submissions from 2 submitters: Uncertain significance (1); Likely benign (1). Last evaluated 2026-09-01.

Conditions:
CHD7-related disorder. Also called: CHD7-related condition.
CHARGE syndrome (CHARGE). Also called: Hittner Hirsch Kreh syndrome; CHARGE ASSOCIATION--COLOBOMA, HEART ANOMALY, CHOANAL ATRESIA, RETARDATION, GENITAL AND EAR ANOMALIES; Coloboma, heart anomaly, choanal atresia, retardation, genital and ear anomalies; CHARGE association; Hall-Hittner syndrome. Identifiers: Orphanet 138, MedGen C0265354, MONDO:0008965.

Allele frequency attached by ClinVar (database versions not stated): gnomAD exomes below 0.00001 and 0.00002; ExAC 0.00002; gnomAD 0.00002; TOPMed 0.00002; ESP Exome Variant Server 0.00008.
gnomAD v4.1: 9 of 1,611,354 alleles (0.00056%); highest among the groups gnomAD compares: Non-Finnish European, 0.00076%; no homozygotes.

Submissions (2):

PreventionGenetics, part of Exact Sciences
Classification: Uncertain significance for CHD7-related condition. Last evaluated: 2026-09-01. Review status: criteria provided, single submitter. Criteria: ACMG Guidelines, 2015. Collection method: clinical testing. Allele origin: germline.
Comment: The CHD7 c.7052C>T variant is predicted to result in the amino acid substitution p.Pro2351Leu. This variant was reported in an individual with sepsis (Borghesi et al. 2020. PubMed ID: 32185379). This variant is reported in 0.0040% of alleles in individuals of European (Non-Finnish) descent in gnomAD. At this time, the clinical significance of this variant is uncertain due to the absence of conclusive functional and genetic evidence.

Labcorp Genetics (formerly Invitae), Labcorp
Classification: Likely benign for CHARGE syndrome. Last evaluated: 2026-01-22. Review status: criteria provided, single submitter. Criteria: Invitae Variant Classification Sherloc (09022015). Collection method: clinical testing. Allele origin: germline.